The following is an entry in ClinVar:

NM_004646.4(NPHS1):c.2541del (p.Lys848fs)

Gene: NPHS1 (NPHS1 adhesion molecule, nephrin; minus strand). Cytogenetic location: 19q13.12.
Variant type: Deletion.
Coding change: c.2541del on transcript NM_004646.4 (MANE Select); coding-DNA position 2541, one base deleted (T; older notation c.2541delT).
Protein change: p.Lys848fs; shifts the reading frame from lysine 848.
Molecular consequence: frameshift variant.
Genome position (GRCh38, 1-based): chr19:35,842,246, A deleted on the plus strand (T on the coding strand, the reverse complement: NPHS1 is on the minus strand). VCF-style (leftmost placement, unchanged base first): chr19-35842245-TA-T. GRCh37 (hg19) VCF-style: chr19-36333147-TA-T.
Other names: c.2541delT (NM_004646.3); short protein forms K848fs.
Identifiers: ClinVar variation 496270 (VCV000496270.1), dbSNP rs1555761997, ClinGen allele CA658684229.

ClinVar aggregate classification (germline): Likely pathogenic (1 of 4 stars; one submission).

Conditions:
Finnish congenital nephrotic syndrome (NPHS1). Also called: NEPHROTIC SYNDROME, TYPE 1. Identifiers: Orphanet 839, MedGen C0403399, MONDO:0009732, OMIM 256300.

Submission:

Women's Health and Genetics/Laboratory Corporation of America, LabCorp
Classification: Likely pathogenic for Finnish congenital nephrotic syndrome. Last evaluated: 2017-03-13. Review status: criteria provided, single submitter. Criteria: LabCorp Variant Classification Summary - May 2015. Collection method: clinical testing. Allele origin: germline.
Comment: Variant summary: The c.2541delT (p.Lys848Argfs) variant in NPHS1 gene is a frameshift change that results in the loss of the 338 amino acids of nephrin protein (~25%). This change is predicted to cause loss of normal protein function through protein truncation or nonsense-mediated mRNA decay. The variant is absent from the large control population datasets of ExAC and gnomAD (122798 and 275468 chrs tested, respectively). The c.2541delT has not, to our knowledge, been reported in affected individuals via published reports or cited by reputable databases/clinical laboratories. Taking together, the variant was classified as Likely Pathogenic.